The following is an entry in ClinVar:

NM_020708.5(SLC12A5):c.2708A>T (p.Tyr903Phe)

Gene: SLC12A5 (solute carrier family 12 member 5; plus strand). Cytogenetic location: 20q13.12.
Variant type: single nucleotide variant.
Coding change: c.2708A>T on transcript NM_020708.5 (MANE Select); coding-DNA position 2708, A replaced by T.
Protein change: p.Tyr903Phe; replaces tyrosine 903 with phenylalanine.
Molecular consequence: missense variant.
Genome position (GRCh38, 1-based): chr20:46,054,944, A>T. VCF-style: chr20-46054944-A-T. GRCh37 (hg19) VCF-style: chr20-44683583-A-T.
Other names: c.2777A>T, p.Tyr926Phe (NM_001134771.2); short protein forms Y926F, Y903F.
Identifiers: ClinVar variation 1390543 (VCV001390543.8), dbSNP rs2145505900, ClinGen allele CA409206791.
Genomic context (GRCh38, chr20:46,054,944, plus strand): 5'-ACCCCCCAACCCCAACCTCTGTCTGCCCACAGCATGAGAGCGACATCTCAGCTTACACCT[A>T]TGAGAAGACGTTGGTGATGGAGCAGCGTTCCCAGATCCTCAAACAGATGCATTTAACCAA-3'
Protein context (NP_065759.1, residues 893-913): MHESDISAYT[Tyr903Phe]EKTLVMEQRS

ClinVar aggregate classification (germline): Uncertain significance (1 of 4 stars; one submission).

Conditions:
Developmental and epileptic encephalopathy, 34 (DEE34). Also called: Early infantile epileptic encephalopathy 34; SLC12A5-Related Epilepsy of Infancy with Migrating Focal Seizures. Identifiers: Orphanet 293181, MedGen C4225257, MONDO:0014718, OMIM 616645.

Allele frequency attached by ClinVar (database versions not stated): gnomAD exomes 0.00001.
gnomAD v4.1: 15 of 1,613,736 alleles (0.00093%); highest among the groups gnomAD compares: Non-Finnish European, 0.0012%; no homozygotes.

Submission:

Labcorp Genetics (formerly Invitae), Labcorp
Classification: Uncertain significance for Developmental and epileptic encephalopathy, 34. Last evaluated: 2022-07-29. Review status: criteria provided, single submitter. Criteria: Invitae Variant Classification Sherloc (09022015). Collection method: clinical testing. Allele origin: germline.
Comment: This variant has not been reported in the literature in individuals affected with SLC12A5-related conditions. ClinVar contains an entry for this variant (Variation ID: 1390543). Advanced modeling of protein sequence and biophysical properties (such as structural, functional, and spatial information, amino acid conservation, physicochemical variation, residue mobility, and thermodynamic stability) performed at Invitae indicates that this missense variant is expected to disrupt SLC12A5 protein function. In summary, the available evidence is currently insufficient to determine the role of this variant in disease. Therefore, it has been classified as a Variant of Uncertain Significance. This variant is not present in population databases (gnomAD no frequency). This sequence change replaces tyrosine, which is neutral and polar, with phenylalanine, which is neutral and non-polar, at codon 903 of the SLC12A5 protein (p.Tyr903Phe).